The following is an entry in ClinVar:

NM_000243.3(MEFV):c.258C>T (p.Leu86=)

Gene: MEFV (MEFV innate immunity regulator, pyrin; minus strand). Cytogenetic location: 16p13.3.
Variant type: single nucleotide variant.
Coding change: c.258C>T on transcript NM_000243.3 (MANE Select); coding-DNA position 258, C replaced by T.
Protein change: p.Leu86=; no amino-acid change (leucine 86 retained).
Molecular consequence: synonymous variant.
Genome position (GRCh38, 1-based): chr16:3,256,330, G>A on the plus strand (C>T on the coding strand, the complement: MEFV is on the minus strand). VCF-style: chr16-3256330-G-A. GRCh37 (hg19) VCF-style: chr16-3306330-G-A.
Other names: c.258C>T, p.Leu86= (NM_001198536.2).
Identifiers: ClinVar variation 3053753 (VCV003053753.2), dbSNP rs1959114342, ClinGen allele CA493384386.

ClinVar aggregate classification (germline): Likely benign (0 of 4 stars; one submission).

Conditions:
MEFV-related disorder. Also called: MEFV-related condition; MEFV-related disorders.

Allele frequency attached by ClinVar (database versions not stated): TOPMed below 0.00001.

Submission:

PreventionGenetics, part of Exact Sciences
Classification: Likely benign for MEFV-related condition. Last evaluated: 2023-06-08. Review status: no assertion criteria provided. Collection method: clinical testing. Allele origin: germline.
Comment: This variant is classified as likely benign based on ACMG/AMP sequence variant interpretation guidelines (Richards et al. 2015 PMID: 25741868, with internal and published modifications).